The following is an entry in ClinVar:

ClinVar aggregate classification (germline): Uncertain significance (1 of 4 stars; one submission).

Submission:

Labcorp Genetics (formerly Invitae), Labcorp
Classification: Uncertain significance. Last evaluated: 2022-08-23. Review status: criteria provided, single submitter. Criteria: Invitae Variant Classification Sherloc (09022015). Collection method: clinical testing. Allele origin: germline.
Comment: This sequence change affects a donor splice site in intron 70 of the SZT2 gene. While this variant is not anticipated to result in nonsense mediated decay, it likely alters RNA splicing and results in a disrupted protein product. This variant is not present in population databases (gnomAD no frequency). This variant has not been reported in the literature in individuals affected with SZT2-related conditions. ClinVar contains an entry for this variant (Variation ID: 1407952). Variants that disrupt the consensus splice site are a relatively common cause of aberrant splicing (PMID: 17576681, 9536098). Algorithms developed to predict the effect of sequence changes on RNA splicing suggest that this variant may disrupt the consensus splice site. In summary, the available evidence is currently insufficient to determine the role of this variant in disease. Therefore, it has been classified as a Variant of Uncertain Significance.

Literature cited by the submitters: PubMed 17576681; PubMed 9536098.

NM_001365999.1(SZT2):c.10155+1G>A

Gene: SZT2 (SZT2 subunit of KICSTOR complex; plus strand). Cytogenetic location: 1p34.2.
Variant type: single nucleotide variant.
Coding change: c.10155+1G>A on transcript NM_001365999.1 (MANE Select); the canonical splice donor site of the intron after coding-DNA position 10155, G replaced by A.
Molecular consequence: splice donor variant.
Genome position (GRCh38, 1-based): chr1:43,450,172, G>A. VCF-style: chr1-43450172-G-A. GRCh37 (hg19) VCF-style: chr1-43915843-G-A.
Other names: c.9984+1G>A (NM_015284.4).
Identifiers: ClinVar variation 1407952 (VCV001407952.6), dbSNP rs934864085, ClinGen allele CA340047597.